The following is an entry in ClinVar:

NM_000552.5(VWF):c.6345T>A (p.Thr2115=)

Gene: VWF (von Willebrand factor; minus strand). Cytogenetic location: 12p13.31.
Variant type: single nucleotide variant.
Coding change: c.6345T>A on transcript NM_000552.5 (MANE Select); coding-DNA position 6345, T replaced by A.
Protein change: p.Thr2115=; no amino-acid change (threonine 2115 retained).
Molecular consequence: synonymous variant.
Genome position (GRCh38, 1-based): chr12:5,994,115, A>T on the plus strand (T>A on the coding strand, the complement: VWF is on the minus strand). VCF-style: chr12-5994115-A-T. GRCh37 (hg19) VCF-style: chr12-6103281-A-T.
Other names: NM_000552.5(VWF):c.6345T>A; p.Thr2115=; c.6345T>A (NM_000552.4).
Identifiers: ClinVar variation 256690 (VCV000256690.12), dbSNP rs11537642, ClinGen allele CA6402007.

ClinVar aggregate classification (germline): Benign. Review status: reviewed by expert panel (3 of 4 stars). 8 submissions from 6 submitters: Benign (1). 7 of the submissions do not count toward it. Last evaluated 2024-11-05.

Conditions:
von Willebrand disease type 2 (VWD2). Also called: VON WILLEBRAND DISEASE, TYPE II; VWD, TYPE 2; VON WILLEBRAND DISEASE, TYPE 2A/IIE; VON WILLEBRAND DISEASE, TYPE 2CB. Identifiers: Orphanet 166081, Orphanet 903, MedGen C1264040, MONDO:0013304, OMIM 613554.
Hereditary von Willebrand disease. Identifiers: Orphanet 903, MedGen C5703318, MONDO:0019565. Inheritance: Autosomal recessive or Autosomal dominant.
von Willebrand disease type 3 (VWD3). Also called: Type 3 Von Willebrand's disease; Type 3 VWD; Von Willebrand disease, severe form; V WD3; VON WILLEBRAND DISEASE, TYPE III. Identifiers: Orphanet 166096, MedGen C1264041, MONDO:0010191, OMIM 277480.
von Willebrand disease type 1 (VWD1). Also called: VON WILLEBRAND DISEASE, TYPE I; VWD, TYPE 1. Identifiers: Orphanet 166078, Orphanet 903, MedGen C1264039, MONDO:0008668, OMIM 193400. Inheritance: autosomal recessive or autosomal dominant.

Allele frequency attached by ClinVar (database versions not stated): gnomAD exomes 0.00402 and 0.01117; ExAC 0.01396; gnomAD 0.04285 and 0.04599; TOPMed 0.04828; ESP Exome Variant Server 0.05105; 1000 Genomes Project 0.05531; 1000 Genomes Project 30x 0.05824.
gnomAD v4.1: 12,631 of 1,614,176 alleles (0.78%); highest among the groups gnomAD compares: African/African-American, 15%; 850 homozygotes.

Submissions (8):

ClinGen von Willebrand Disease Variant Curation Expert Panel, ClinGen
Classification: Benign for Hereditary von Willebrand disease. Last evaluated: 2024-11-05. Review status: reviewed by expert panel. Criteria: ClinGen VWD 2A B M Rules. Collection method: curation. Allele origin: germline.
Comment: NM_000552.5(VWF):c.6345T>A, p.Thr2115= variant in VWF is a synonymous variant. TheGrpmax filtering allele frequency in gnomAD v4.1 is 0.1435 (based on 10938/75020 alleles, with 830 homozygotes in the African/African-American population), which is above the ClinGen VWD VCEP threshold of >0.1 for BA1. The computational predictor SpliceAI gives a score of 0.0, which meets criteria for BP7. This variant is classified as benign for VWD based on the ACMG/AMP criteria applied, as specified by the ClinGen VWD VCEP: BA1, BP7

Quest Diagnostics Nichols Institute San Juan Capistrano
Classification: Benign. Last evaluated: 2022-05-11. Review status: criteria provided, single submitter. Criteria: Quest Diagnostics criteria. Collection method: clinical testing. Allele origin: unknown. Not counted in ClinVar's aggregate classification.

Mayo Clinic Laboratories, Mayo Clinic
Classification: Benign. Last evaluated: 2022-03-30. Review status: criteria provided, single submitter. Criteria: ACMG Guidelines, 2015. Collection method: clinical testing. Allele origin: germline. Observed: 22 variant alleles. Not counted in ClinVar's aggregate classification.
Comment: BA1, BS1, BS2, BP4, BP7

Genome-Nilou Lab
Classification: Benign for von Willebrand disease type 1. Last evaluated: 2021-12-05. Review status: criteria provided, single submitter. Criteria: ACMG Guidelines, 2015. Collection method: clinical testing. Allele origin: germline. Affected: no. Not counted in ClinVar's aggregate classification.

Genome-Nilou Lab
Classification: Benign for von Willebrand disease type 3. Last evaluated: 2021-12-05. Review status: criteria provided, single submitter. Criteria: ACMG Guidelines, 2015. Collection method: clinical testing. Allele origin: germline. Affected: no. Not counted in ClinVar's aggregate classification.

Genome-Nilou Lab
Classification: Benign for von Willebrand disease type 2. Last evaluated: 2021-12-05. Review status: criteria provided, single submitter. Criteria: ACMG Guidelines, 2015. Collection method: clinical testing. Allele origin: germline. Affected: no. Not counted in ClinVar's aggregate classification.

Breakthrough Genomics
Classification: Likely benign. Review status: criteria provided, single submitter. Criteria: ACMG Guidelines, 2015. Collection method: not provided. Allele origin: germline. Inheritance: Autosomal recessive inheritance. Affected: yes. Not counted in ClinVar's aggregate classification.

PreventionGenetics, part of Exact Sciences
Classification: Benign. Review status: criteria provided, single submitter. Criteria: ACMG Guidelines, 2015. Collection method: clinical testing. Allele origin: germline. Not counted in ClinVar's aggregate classification.